The following is an entry in ClinVar:

NM_003900.5(SQSTM1):c.1177C>T (p.Arg393Trp)

Gene: SQSTM1 (sequestosome 1; plus strand). Cytogenetic location: 5q35.3.
Variant type: single nucleotide variant.
Coding change: c.1177C>T on transcript NM_003900.5 (MANE Select); coding-DNA position 1177, C replaced by T.
Protein change: p.Arg393Trp; replaces arginine 393 with tryptophan.
Molecular consequence: missense variant.
Genome position (GRCh38, 1-based): chr5:179,836,447, C>T. VCF-style: chr5-179836447-C-T. GRCh37 (hg19) VCF-style: chr5-179263447-C-T.
Other names: p.Arg393Trp; c.925C>T, p.Arg309Trp (NM_001142298.2, NM_001142299.2); short protein forms R393W, R309W.
Identifiers: ClinVar variation 960129 (VCV000960129.12), dbSNP rs539942101, ClinGen allele CA3600851.

ClinVar aggregate classification (germline): Uncertain significance. Review status: criteria provided, multiple submitters, no conflicts (2 of 4 stars). 3 submissions from 3 submitters: Uncertain significance (2). 1 of the submissions does not count toward it. Last evaluated 2024-10-31.

Conditions:
Frontotemporal dementia and/or amyotrophic lateral sclerosis 1 (FTDALS1). Also called: Frontotemporal dementia with motor neuron disease 1; C9orf72 Frontotemporal Dementia and/or Amyotrophic Lateral Sclerosis. Identifiers: Orphanet 275872, MedGen C5779877, MONDO:0007105, OMIM 105550.
Paget disease of bone 2, early-onset (PDB2). Also called: Paget disease of bone 2. Identifiers: MedGen C4085251, MONDO:0011183, OMIM 602080.
SQSTM1-related disorder. Also called: SQSTM1-Related Disorders.

Allele frequency attached by ClinVar (database versions not stated): gnomAD 0.00002 and 0.00003; gnomAD exomes 0.00002 and 0.00006; TOPMed 0.00002; ExAC 0.00006; 1000 Genomes Project 30x 0.00016; 1000 Genomes Project 0.00020.
gnomAD v4.1: 36 of 1,614,196 alleles (0.0022%); highest among the groups gnomAD compares: South Asian, 0.016%; no homozygotes.

Submissions (3):

Labcorp Genetics (formerly Invitae), Labcorp
Classification: Uncertain significance for Paget disease of bone 2, early-onset; Frontotemporal dementia and/or amyotrophic lateral sclerosis 1. Last evaluated: 2024-10-31. Review status: criteria provided, single submitter. Criteria: Invitae Variant Classification Sherloc (09022015). Collection method: clinical testing. Allele origin: germline.
Comment: This sequence change replaces arginine, which is basic and polar, with tryptophan, which is neutral and slightly polar, at codon 393 of the SQSTM1 protein (p.Arg393Trp). This variant is present in population databases (rs539942101, gnomAD 0.02%). This variant has not been reported in the literature in individuals affected with SQSTM1-related conditions. ClinVar contains an entry for this variant (Variation ID: 960129). Invitae Evidence Modeling of protein sequence and biophysical properties (such as structural, functional, and spatial information, amino acid conservation, physicochemical variation, residue mobility, and thermodynamic stability) indicates that this missense variant is expected to disrupt SQSTM1 protein function with a positive predictive value of 80%. In summary, the available evidence is currently insufficient to determine the role of this variant in disease. Therefore, it has been classified as a Variant of Uncertain Significance.

Mayo Clinic Laboratories, Mayo Clinic
Classification: Uncertain significance. Last evaluated: 2024-05-13. Review status: criteria provided, single submitter. Criteria: ACMG Guidelines, 2015. Collection method: clinical testing. Allele origin: germline. Observed: 1 variant allele.

PreventionGenetics, part of Exact Sciences
Classification: Uncertain significance for SQSTM1-related condition. Last evaluated: 2023-10-19. Review status: no assertion criteria provided. Collection method: clinical testing. Allele origin: germline. Not counted in ClinVar's aggregate classification.
Comment: The SQSTM1 c.1177C>T variant is predicted to result in the amino acid substitution p.Arg393Trp. This variant was reported in an individual with Alzheimer disease (Table S2 in Wang et al. 2019. PubMed ID: 30954774). This variant is reported in 0.016% of alleles in individuals of South Asian descent in gnomAD. At this time, the clinical significance of this variant is uncertain due to the absence of conclusive functional and genetic evidence.

Literature cited by the submitters: PubMed 30954774 (cited by Mayo Clinic Laboratories, Mayo Clinic).